The following is an entry in ClinVar:

ClinVar aggregate classification (germline): Uncertain significance (1 of 4 stars; one submission).

Submission:

GeneDx
Classification: Uncertain significance. Last evaluated: 2016-01-21. Review status: criteria provided, single submitter. Criteria: GeneDx Variant Classification (06012015). Collection method: clinical testing. Allele origin: germline. Affected: yes.
Comment: The c.3269dupC variant in the SOS1 gene has not been reported previously as a pathogenic variant nor as a benign variant, to our knowledge. The c.3269dupC variant causes a frameshift starting with codon Proline 1091, changes this amino acid to a Alanine residue, and creates a premature Stop codon at position 16 of the new reading frame, denoted p.Pro1091AlafsX16. This variant is predicted to cause loss of normal protein function either through protein truncation or nonsense-mediated mRNA decay. The c.3269dupC variant was not observed in approximately 6,500 individuals of European and African American ancestry in the NHLBI Exome Sequencing Project, indicating it is not a common benign variant in these populations. We interpret c.3269dupC as a variant of uncertain significance which may be related to developmental delay, intellectual disability, and hypotonia.

NM_005633.4(SOS1):c.3269dup (p.Pro1091fs)

Gene: SOS1 (SOS Ras/Rac guanine nucleotide exchange factor 1; minus strand). Cytogenetic location: 2p22.1.
Variant type: Duplication.
Coding change: c.3269dup on transcript NM_005633.4 (MANE Select); coding-DNA position 3269, one base duplicated (C; older notation c.3269dupC).
Protein change: p.Pro1091fs; shifts the reading frame from proline 1091.
Molecular consequence: frameshift variant.
Genome position (GRCh38, 1-based): chr2:38,995,200, G duplicated on the plus strand (C on the coding strand, the reverse complement: SOS1 is on the minus strand); the first of 2 consecutive G bases (chr2:38,995,200-38,995,201); duplicating either gives the same sequence. VCF-style (leftmost placement, unchanged base first): chr2-38995199-C-CG. GRCh37 (hg19) VCF-style: chr2-39222340-C-CG.
Other names: c.3248dup, p.Pro1084fs (NM_001382394.1); c.3269dup, p.Pro1091fs (NM_001382395.1); c.3269dupC (NM_005633.3); short protein forms P1091fs, P1084fs.
Identifiers: ClinVar variation 372840 (VCV000372840.2), dbSNP rs1057518017, ClinGen allele CA16042477.